The following is an entry in ClinVar:

ClinVar aggregate classification (germline): Conflicting classifications of pathogenicity. Review status: criteria provided, conflicting classifications (1 of 4 stars). 3 submissions from 3 submitters: Uncertain significance (2); Likely benign (1). Last evaluated 2025-11-18.

Conditions:
Inborn genetic diseases. Identifiers: MedGen C0950123, MeSH D030342.

Allele frequency attached by ClinVar (database versions not stated): ExAC 0.00002; gnomAD 0.00003.
gnomAD v4.1: 38 of 1,613,980 alleles (0.0024%); highest among the groups gnomAD compares: Admixed American, 0.022%; no homozygotes.

Submissions (3):

Ambry Genetics
Classification: Likely benign for Inborn genetic diseases. Last evaluated: 2025-11-18. Review status: criteria provided, single submitter. Criteria: Ambry Variant Classification Scheme 2023. Collection method: clinical testing. Allele origin: germline.

Labcorp Genetics (formerly Invitae), Labcorp
Classification: Uncertain significance. Last evaluated: 2025-10-18. Review status: criteria provided, single submitter. Criteria: Invitae Variant Classification Sherloc (09022015). Collection method: clinical testing. Allele origin: germline.
Comment: This sequence change replaces arginine, which is basic and polar, with histidine, which is basic and polar, at codon 400 of the SERPING1 protein (p.Arg400His). This variant is present in population databases (rs773040870, gnomAD 0.02%). This variant has not been reported in the literature in individuals affected with SERPING1-related conditions. ClinVar contains an entry for this variant (Variation ID: 2194355). An algorithm developed to predict the effect of missense changes on protein structure and function outputs the following: PolyPhen-2: "Benign". The histidine amino acid residue is found in multiple mammalian species, which suggests that this missense change does not adversely affect protein function. In summary, the available evidence is currently insufficient to determine the role of this variant in disease. Therefore, it has been classified as a Variant of Uncertain Significance.

Dasa
Classification: Uncertain significance. Last evaluated: 2025-06-28. Review status: criteria provided, single submitter. Criteria: DASA Assertion Criteria. Collection method: clinical testing. Allele origin: germline.
Comment: NM_000062.3(SERPING1):c.1199G>A (p.Arg400His) is a missense variant that results in the substitution of arginine with histidine. The affected residue or protein region has prior evidence supporting clinical relevance. This variant is rare in population databases. Computational prediction algorithms are consistent with a benign effect. The currently available literature and clinical evidence are not sufficient to establish a definitive association between this variant and the reported condition. Therefore, this variant is classified as a variant of uncertain significance.

NM_000062.3(SERPING1):c.1199G>A (p.Arg400His)

Gene: SERPING1 (serpin family G member 1; plus strand). Cytogenetic location: 11q12.1.
Variant type: single nucleotide variant.
Coding change: c.1199G>A on transcript NM_000062.3 (MANE Select); coding-DNA position 1199, G replaced by A.
Protein change: p.Arg400His; replaces arginine 400 with histidine.
Molecular consequence: missense variant.
Genome position (GRCh38, 1-based): chr11:57,611,886, G>A. VCF-style: chr11-57611886-G-A. GRCh37 (hg19) VCF-style: chr11-57379359-G-A.
Other names: c.1199G>A, p.Arg400His (NM_001032295.2); short protein forms R400H.
Identifiers: ClinVar variation 2194355 (VCV002194355.9), dbSNP rs773040870, ClinGen allele CA6008240.
Genomic context (GRCh38, chr11:57,611,886, plus strand): 5'-AGGCCATCATGGAGAAACTGGAGATGTCCAAGTTCCAGCCCACTCTCCTAACACTACCCC[G>A]CATCAAAGTGACGACCAGCCAGGATATGCTCTCAATCATGGAGAAATTGGGTGAGCTCTG-3'
Protein context (NP_000053.2, residues 390-410): KFQPTLLTLP[Arg400His]IKVTTSQDML